The following is an entry in ClinVar:

ClinVar aggregate classification (germline): Benign/Likely benign. Review status: criteria provided, multiple submitters, no conflicts (2 of 4 stars). 11 submissions from 11 submitters: Benign (1); Likely benign (7). 3 of the submissions do not count toward it. Last evaluated 2025-12-08.

Conditions:
Familial adenomatous polyposis 1 (FAP1). Also called: FAMILIAL ADENOMATOUS POLYPOSIS 1, ATTENUATED; POLYPOSIS, ADENOMATOUS INTESTINAL. Identifiers: MedGen C2713442, MONDO:0021056, OMIM 175100. Disease mechanism: loss of function.
Carcinoma of colon (CRC). Also called: Colonic carcinoma; Colon carcinoma. Identifiers: MedGen C0699790, MONDO:0002032.
APC-related disorder. Also called: APC-related condition.
Hereditary cancer-predisposing syndrome. Also called: Tumor predisposition; Neoplastic Syndromes, Hereditary; Hereditary neoplastic syndrome; Hereditary Cancer Syndrome. Identifiers: Orphanet 140162, MedGen C0027672, MeSH D009386, MONDO:0015356.

Allele frequency attached by ClinVar (database versions not stated): gnomAD 0.00003 and 0.00004; TOPMed 0.00003; ESP Exome Variant Server 0.00008.
gnomAD v4.1: 15 of 1,613,970 alleles (0.00093%); highest among the groups gnomAD compares: African/African-American, 0.004%; no homozygotes.

Submissions (11):

Labcorp Genetics (formerly Invitae), Labcorp
Classification: Likely benign for Familial adenomatous polyposis 1. Last evaluated: 2025-12-08. Review status: criteria provided, single submitter. Criteria: Invitae Variant Classification Sherloc (09022015). Collection method: clinical testing. Allele origin: germline.

Quest Diagnostics Nichols Institute San Juan Capistrano
Classification: Likely benign. Last evaluated: 2025-06-06. Review status: criteria provided, single submitter. Criteria: Quest Diagnostics criteria. Collection method: clinical testing. Allele origin: unknown.

Blueprint Genetics
Classification: Likely benign. Last evaluated: 2024-09-16. Review status: criteria provided, single submitter. Criteria: ACMG Guidelines, 2015. Collection method: clinical testing. Allele origin: germline.

Myriad Genetics, Inc.
Classification: Benign for Familial adenomatous polyposis 1. Last evaluated: 2024-03-22. Review status: criteria provided, single submitter. Criteria: Myriad Autosomal Dominant, Autosomal Recessive and X-Linked Classification Criteria (2023). Collection method: clinical testing. Allele origin: unknown.
Comment: This variant is considered benign. This variant is a silent/synonymous amino acid change and it is not expected to impact splicing.

Women's Health and Genetics/Laboratory Corporation of America, LabCorp
Classification: Likely benign. Last evaluated: 2021-07-17. Review status: criteria provided, single submitter. Criteria: LabCorp Variant Classification Summary - May 2015. Collection method: clinical testing. Allele origin: germline.

GeneDx
Classification: Likely benign. Last evaluated: 2019-08-28. Review status: criteria provided, single submitter. Criteria: GeneDx Variant Classification Process June 2021. Collection method: clinical testing. Allele origin: germline. Affected: yes.

Color Diagnostics, LLC DBA Color Health
Classification: Likely benign for Hereditary cancer-predisposing syndrome. Last evaluated: 2017-01-09. Review status: criteria provided, single submitter. Criteria: ACMG Guidelines, 2015. Collection method: clinical testing. Allele origin: germline.

Ambry Genetics
Classification: Likely benign for Hereditary cancer-predisposing syndrome. Last evaluated: 2015-09-25. Review status: criteria provided, single submitter. Criteria: Ambry Variant Classification Scheme 2023. Collection method: clinical testing. Allele origin: germline.

PreventionGenetics, part of Exact Sciences
Classification: Likely benign for APC-related condition. Last evaluated: 2019-10-10. Review status: no assertion criteria provided. Collection method: clinical testing. Allele origin: germline. Not counted in ClinVar's aggregate classification.
Comment: This variant is classified as likely benign based on ACMG/AMP sequence variant interpretation guidelines (Richards et al. 2015 PMID: 25741868, with internal and published modifications).

Department of Pathology and Laboratory Medicine, Sinai Health System
Classification: Likely benign for Carcinoma of colon. Review status: no assertion criteria provided. Collection method: clinical testing. Allele origin: unknown. Affected: yes. Study: The Canadian Open Genetics Repository (COGR). Not counted in ClinVar's aggregate classification.
Comment: The APC p.Thr1292= variant was not identified in the literature nor was it identified in the LOVD 3.0 and UMD-LSDB databases. The variant was identified in dbSNP (rs377494451) as â€šÃ„Ãºwith likely benign allele and ClinVar (classified as likely benign by Invitae, GeneDx, Ambry Genetics, Color and Mayo Clinic). The variant was identified in control databases in 4 of 276,740 chromosomes at a frequency of 0.00001 (Genome Aggregation Database Feb 27, 2017). The variant was observed in the following populations: African in 1 of 24,028 chromosomes (freq: 0.00004), Other in 1 of 6456 chromosomes (freq: 0.0002), Latino in 1 of 34,390 chromosomes (freq: 0.00003), European in 1 of 126,310 chromosomes (freq: 0.000008); it was not observed in the Ashkenazi Jewish, East Asian, Finnish and South Asian populations. The p.Thr1292= variant is not expected to have clinical significance because it does not result in a change of amino acid and is not located in a known consensus splice site. The variant occurs at a non-highly conserved nucleotide outside of the splicing consensus sequence and in silico or computational prediction software programs (SpliceSiteFinder, MaxEntScan, NNSPLICE, GeneSplicer) do not predict a difference in splicing. In summary, based on the above information the clinical significance of this variant cannot be determined with certainty at this time although we would lean towards a more benign role for this variant. This variant is classified as likely benign.

Mayo Clinic Laboratories, Mayo Clinic
Classification: Likely benign. Review status: no assertion criteria provided. Collection method: clinical testing. Allele origin: unknown. Not counted in ClinVar's aggregate classification.

Literature cited by the submitters: PubMed 30267214 (cited by Quest Diagnostics Nichols Institute San Juan Capistrano); PubMed 33020649 (cited by Quest Diagnostics Nichols Institute San Juan Capistrano).

NM_000038.6(APC):c.3876G>A (p.Thr1292=)

Gene: APC (APC regulator of Wnt signaling pathway; plus strand). Cytogenetic location: 5q22.2.
Variant type: single nucleotide variant.
Coding change: c.3876G>A on transcript NM_000038.6 (MANE Select); coding-DNA position 3876, G replaced by A.
Protein change: p.Thr1292=; no amino-acid change (threonine 1292 retained).
Molecular consequence: synonymous variant.
Genome position (GRCh38, 1-based): chr5:112,839,470, G>A. VCF-style: chr5-112839470-G-A. GRCh37 (hg19) VCF-style: chr5-112175167-G-A.
Other names: c.3876G>A, p.Thr1292= (NM_001127510.3, NM_001354895.2); c.3822G>A, p.Thr1274= (NM_001127511.3); c.3930G>A, p.Thr1310= (NM_001354896.2); c.3906G>A, p.Thr1302= (NM_001354897.2); c.3801G>A, p.Thr1267= (NM_001354898.2); c.3792G>A, p.Thr1264= (NM_001354899.2); c.3753G>A, p.Thr1251= (NM_001354900.2); c.3699G>A, p.Thr1233= (NM_001354901.2); and 5 more.
Identifiers: ClinVar variation 377491 (VCV000377491.30), dbSNP rs377494451, ClinGen allele CA036898.